The following is an entry in ClinVar:

NM_152564.5(VPS13B):c.9239T>C (p.Ile3080Thr)

Gene: VPS13B (vacuolar protein sorting 13 homolog B; plus strand). Cytogenetic location: 8q22.2.
Variant type: single nucleotide variant.
Coding change: c.9239T>C on transcript NM_152564.5 (MANE Select); coding-DNA position 9239, T replaced by C.
Protein change: p.Ile3080Thr; replaces isoleucine 3080 with threonine.
Molecular consequence: missense variant.
Genome position (GRCh38, 1-based): chr8:99,823,887, T>C. VCF-style: chr8-99823887-T-C. GRCh37 (hg19) VCF-style: chr8-100836115-T-C.
Other names: c.9314T>C, p.Ile3105Thr (NM_017890.5); short protein forms I3105T, I3080T.
Identifiers: ClinVar variation 4986709 (VCV004986709.1).

ClinVar aggregate classification (germline): Uncertain significance (1 of 4 stars; one submission).

Conditions:
VPS13B-related disorder. Also called: VPS13B-related condition.

gnomAD v4.1: 2 of 1,613,552 alleles (0.00012%); highest among the groups gnomAD compares: East Asian, 0.0022%; no homozygotes.

Submission:

PreventionGenetics, part of Exact Sciences
Classification: Uncertain significance for VPS13B-related condition. Last evaluated: 2026-03-02. Review status: criteria provided, single submitter. Criteria: ACMG Guidelines, 2015. Collection method: clinical testing. Allele origin: germline.
Comment: The VPS13B c.9239T>C variant is predicted to result in the amino acid substitution p.Ile3080Thr. To our knowledge, this variant has not been reported in the literature. This variant is reported in 0.0050% of alleles in individuals of East Asian descent in gnomAD. At this time, the clinical significance of this variant is uncertain due to the absence of conclusive functional and genetic evidence.